The following is an entry in ClinVar:

ClinVar aggregate classification (germline): Uncertain significance (1 of 4 stars; one submission).

gnomAD v4.1: 52 of 1,607,604 alleles (0.0032%); highest among the groups gnomAD compares: East Asian, 0.013%; no homozygotes.

Submission:

Labcorp Genetics (formerly Invitae), Labcorp
Classification: Uncertain significance. Last evaluated: 2024-04-25. Review status: criteria provided, single submitter. Criteria: Invitae Variant Classification Sherloc (09022015). Collection method: clinical testing. Allele origin: germline.
Comment: This sequence change replaces alanine, which is neutral and non-polar, with threonine, which is neutral and polar, at codon 325 of the ATP2B2 protein (p.Ala325Thr). This variant is present in population databases (rs766822562, gnomAD 0.005%). This variant has not been reported in the literature in individuals affected with ATP2B2-related conditions. Advanced modeling of protein sequence and biophysical properties (such as structural, functional, and spatial information, amino acid conservation, physicochemical variation, residue mobility, and thermodynamic stability) performed at Invitae indicates that this missense variant is not expected to disrupt ATP2B2 protein function with a negative predictive value of 80%. In summary, the available evidence is currently insufficient to determine the role of this variant in disease. Therefore, it has been classified as a Variant of Uncertain Significance.

NM_001001331.4(ATP2B2):c.1108G>A (p.Ala370Thr)

Gene: ATP2B2 (ATPase plasma membrane Ca2+ transporting 2; minus strand). Cytogenetic location: 3p25.3.
Variant type: single nucleotide variant.
Coding change: c.1108G>A on transcript NM_001001331.4 (MANE Select); coding-DNA position 1108, G replaced by A.
Protein change: p.Ala370Thr; replaces alanine 370 with threonine.
Molecular consequence: missense variant.
Genome position (GRCh38, 1-based): chr3:10,378,345, C>T on the plus strand (G>A on the coding strand, the complement: ATP2B2 is on the minus strand). VCF-style: chr3-10378345-C-T. GRCh37 (hg19) VCF-style: chr3-10420029-C-T.
Other names: c.973G>A, p.Ala325Thr (NM_001330611.3, NM_001353564.1, NM_001363862.1 and 1 more transcripts); short protein forms A325T, A370T.
Identifiers: ClinVar variation 3628155 (VCV003628155.2).